The following is an entry in ClinVar:

ClinVar aggregate classification (germline): Uncertain significance (1 of 4 stars; one submission).

Submission:

Labcorp Genetics (formerly Invitae), Labcorp
Classification: Uncertain significance. Last evaluated: 2023-01-17. Review status: criteria provided, single submitter. Criteria: Invitae Variant Classification Sherloc (09022015). Collection method: clinical testing. Allele origin: germline.
Comment: This variant is not present in population databases (gnomAD no frequency). This sequence change replaces serine, which is neutral and polar, with cysteine, which is neutral and slightly polar, at codon 89 of the PPP2R5D protein (p.Ser89Cys). This variant has not been reported in the literature in individuals affected with PPP2R5D-related conditions. In summary, the available evidence is currently insufficient to determine the role of this variant in disease. Therefore, it has been classified as a Variant of Uncertain Significance. Algorithms developed to predict the effect of missense changes on protein structure and function are either unavailable or do not agree on the potential impact of this missense change (SIFT: "Deleterious"; PolyPhen-2: "Probably Damaging"; Align-GVGD: "Class C0").

NM_006245.4(PPP2R5D):c.266C>G (p.Ser89Cys)

Gene: PPP2R5D (protein phosphatase 2 regulatory subunit B'delta; plus strand). Cytogenetic location: 6p21.1.
Variant type: single nucleotide variant.
Coding change: c.266C>G on transcript NM_006245.4 (MANE Select); coding-DNA position 266, C replaced by G.
Protein change: p.Ser89Cys; replaces serine 89 with cysteine.
Molecular consequence: missense variant. On other transcripts: 5 prime UTR variant (1), intron variant (2).
Genome position (GRCh38, 1-based): chr6:43,006,623, C>G. VCF-style: chr6-43006623-C-G. GRCh37 (hg19) VCF-style: chr6-42974361-C-G.
Other names: c.-188C>G (NM_001270476.2); c.249+17C>G (NM_180976.3); c.28-311C>G (NM_180977.3); short protein forms S89C.
Identifiers: ClinVar variation 2829605 (VCV002829605.3), dbSNP rs1024917557, ClinGen allele CA364180724.
Genomic context (GRCh38, chr6:43,006,623, plus strand): 5'-TCAGCAAAATCAAGTACTCAGGGGGGCCCCAGATTGTCAAGAAGGAGCGACGGCAAAGCT[C>G]CTCCCGCTTCAACCTCAGCAAGAATCGGGAGCTGCAGAAGCTTCCTGCCCTGAAAGGTAC-3'
Protein context (NP_006236.1, residues 79-99): QIVKKERRQS[Ser89Cys]SRFNLSKNRE